The following is an entry in ClinVar:

NM_001042492.3(NF1):c.44G>A (p.Ser15Asn)

Genes: MIR4733HG (MIR4733 host gene; minus strand), NF1 (neurofibromin 1; plus strand), LOC111811965 (NF1 (neurofibromin 1) promoter region; plus strand). Cytogenetic location: 17q11.2.
Variant type: single nucleotide variant.
Coding change: c.44G>A on transcript NM_001042492.3 (MANE Select); coding-DNA position 44, G replaced by A.
Protein change: p.Ser15Asn; replaces serine 15 with asparagine.
Molecular consequence: missense variant. On other transcripts: non-coding transcript variant (1).
Genome position (GRCh38, 1-based): chr17:31,095,353, G>A. VCF-style: chr17-31095353-G-A. GRCh37 (hg19) VCF-style: chr17-29422371-G-A.
Other names: c.44G>A, p.Ser15Asn (NM_000267.4, NM_001128147.3); short protein forms S15N.
Identifiers: ClinVar variation 659045 (VCV000659045.15), dbSNP rs1598173852, ClinGen allele CA398979344.

ClinVar aggregate classification (germline): Uncertain significance. Review status: criteria provided, multiple submitters, no conflicts (2 of 4 stars). 5 submissions from 5 submitters: Uncertain significance (5). Last evaluated 2026-03-26.

Conditions:
Hereditary cancer-predisposing syndrome. Also called: Neoplastic Syndromes, Hereditary; Tumor predisposition; Hereditary Cancer Syndrome; Hereditary neoplastic syndrome. Identifiers: Orphanet 140162, MedGen C0027672, MeSH D009386, MONDO:0015356.
Cardiovascular phenotype. Identifiers: MedGen CN230736.
Neurofibromatosis, type 1 (NF1). Also called: Neurofibromatosis, type I; VON RECKLINGHAUSEN DISEASE; NEUROFIBROMATOSIS, TYPE I, SOMATIC; Peripheral type neurofibromatosis. Identifiers: Orphanet 636, MedGen C0027831, MONDO:0018975, OMIM 162200. Disease mechanism: loss of function.

Allele frequency attached by ClinVar (database versions not stated): gnomAD exomes below 0.00001.
gnomAD v4.1: 1 of 1,540,000 alleles (0.000065%); no homozygotes.

Submissions (5):

GeneDx
Classification: Uncertain significance. Last evaluated: 2026-03-26. Review status: criteria provided, single submitter. Criteria: GeneDx Variant Classification Process June 2021. Collection method: clinical testing. Allele origin: germline.
Comment: Not observed at significant frequency in large population cohorts (gnomAD); In silico analysis suggests that this missense variant does not alter protein structure/function; Has not been previously published as pathogenic or benign to our knowledge

Labcorp Genetics (formerly Invitae), Labcorp
Classification: Uncertain significance for Neurofibromatosis, type 1. Last evaluated: 2025-01-23. Review status: criteria provided, single submitter. Criteria: Invitae Variant Classification Sherloc (09022015). Collection method: clinical testing. Allele origin: germline.
Comment: This sequence change replaces serine, which is neutral and polar, with asparagine, which is neutral and polar, at codon 15 of the NF1 protein (p.Ser15Asn). This variant is not present in population databases (gnomAD no frequency). This variant has not been reported in the literature in individuals affected with NF1-related conditions. ClinVar contains an entry for this variant (Variation ID: 659045). Invitae Evidence Modeling of protein sequence and biophysical properties (such as structural, functional, and spatial information, amino acid conservation, physicochemical variation, residue mobility, and thermodynamic stability) indicates that this missense variant is not expected to disrupt NF1 protein function with a negative predictive value of 95%. In summary, the available evidence is currently insufficient to determine the role of this variant in disease. Therefore, it has been classified as a Variant of Uncertain Significance.

Women's Health and Genetics/Laboratory Corporation of America, LabCorp
Classification: Uncertain significance. Last evaluated: 2024-09-09. Review status: criteria provided, single submitter. Criteria: LabCorp Variant Classification Summary - May 2015. Collection method: clinical testing. Allele origin: germline.
Comment: Variant summary: NF1 c.44G>A (p.Ser15Asn) results in a conservative amino acid change in the encoded protein sequence. Five of five in-silico tools predict a benign effect of the variant on protein function. The variant was absent in 136706 control chromosomes. The available data on variant occurrences in the general population are insufficient to allow any conclusion about variant significance. To our knowledge, no occurrence of c.44G>A in individuals affected with Neurofibromatosis Type 1 or other NF1-related disorders and no experimental evidence demonstrating its impact on protein function have been reported. ClinVar contains an entry for this variant (Variation ID: 659045). Based on the evidence outlined above, the variant was classified as uncertain significance.

Genome-Nilou Lab
Classification: Uncertain significance for Neurofibromatosis, type 1. Last evaluated: 2022-03-15. Review status: criteria provided, single submitter. Criteria: ACMG Guidelines, 2015. Collection method: clinical testing. Allele origin: germline. Affected: no.

Ambry Genetics
Classification: Uncertain significance for Cardiovascular phenotype; Hereditary cancer-predisposing syndrome. Last evaluated: 2019-03-12. Review status: criteria provided, single submitter. Criteria: Ambry Variant Classification Scheme 2023. Collection method: clinical testing. Allele origin: germline.
Comment: The p.S15N variant (also known as c.44G>A), located in coding exon 1 of the NF1 gene, results from a G to A substitution at nucleotide position 44. The serine at codon 15 is replaced by asparagine, an amino acid with highly similar properties. This amino acid position is well conserved in available vertebrate species. In addition, this alteration is predicted to be tolerated by in silico analysis. Since supporting evidence is limited at this time, the clinical significance of this alteration remains unclear.